The following is an entry in ClinVar:

ClinVar aggregate classification (germline): Uncertain significance. Review status: reviewed by expert panel (3 of 4 stars). 4 submissions from 4 submitters: Uncertain significance (1). 3 of the submissions do not count toward it. Last evaluated 2025-08-01.

Conditions:
RYR1-related disorder. Also called: RYR1-related disorders; RYR1-related condition. Identifiers: MedGen CN239331.
Malignant hyperthermia of anesthesia. Also called: Anesthesic-triggered malignant hyperthermia. Identifiers: Orphanet 423, MedGen C0024591, MONDO:0018493, HP:0034733.
Malignant hyperthermia, susceptibility to, 1 (MHS1). Also called: Anesthesia related hyperthermia; Malignant hyperpyrexia; Fulminating hyperpyrexia; Pharmacogenic myopathy; Malignant hyperthermia suceptibility 1; RYR1-Related Malignant Hyperthermia Susceptibility. Identifiers: Orphanet 423, MedGen C2930980, MONDO:0007783, OMIM 145600.

gnomAD v4.1: 6 of 1,610,328 alleles (0.00037%); highest among the groups gnomAD compares: Admixed American, 0.0017%; no homozygotes.

Submissions (4):

ClinGen Malignant Hyperthermia Susceptibility Variant Curation Expert Panel, ClinGen
Classification: Uncertain significance for Malignant hyperthermia of anesthesia. Last evaluated: 2025-08-01. Review status: reviewed by expert panel. Criteria: ClinGen MHS ACMG Specifications V2. Collection method: curation. Allele origin: germline. Inheritance: Autosomal dominant inheritance.
Comment: This pathogenicity assessment is relevant only for malignant hyperthermia susceptibility (MHS) inherited in an autosomal dominant pattern. Variants in RYR1 can also cause other myopathies inherited in an autosomal dominant pattern or in an autosomal recessive pattern. Some of these disorders may predispose individuals to malignant hyperthermia. RYR1 variants may also contribute to a malignant hyperthermia reaction in combination with other genetic and non-genetic factors and the clinician needs to consider such factors in making management decisions. This sequence variant predicts a substitution of arginine with glycine at codon 2593 of the RYR1 protein, p.(Arg2593Gly). The maximum allele frequency for this variant among the six major gnomAD populations is NFE: 0.0000079, a frequency consistent with pathogenicity for MHS. To our knowledge, this variant has not been reported in any individuals with a personal or family history of an MH episode and a positive in vitro contracture test (IVCT) or caffeine halothane contracture test (CHCT) result. No functional studies were identified for this variant. This variant does not reside in a hotspot for pathogenic variants that contribute to MHS. A REVEL score of 0.769 supports neither a pathogenic nor a benign status for this variant. This variant has been classified as a Variant of Unknown Significance. No criteria implemented.

Labcorp Genetics (formerly Invitae), Labcorp
Classification: Uncertain significance for RYR1-related disorder. Last evaluated: 2025-06-24. Review status: criteria provided, single submitter. Criteria: Invitae Variant Classification Sherloc (09022015). Collection method: clinical testing. Allele origin: germline. Not counted in ClinVar's aggregate classification.
Comment: This sequence change replaces arginine, which is basic and polar, with glycine, which is neutral and non-polar, at codon 2593 of the RYR1 protein (p.Arg2593Gly). This variant is present in population databases (no rsID available, gnomAD 0.0008%). This missense change has been observed in individual(s) with malignant hyperthermia susceptibility (PMID: 20681998). ClinVar contains an entry for this variant (Variation ID: 1330356). Invitae Evidence Modeling of protein sequence and biophysical properties (such as structural, functional, and spatial information, amino acid conservation, physicochemical variation, residue mobility, and thermodynamic stability) indicates that this missense variant is not expected to disrupt RYR1 protein function with a negative predictive value of 80%. In summary, the available evidence is currently insufficient to determine the role of this variant in disease. Therefore, it has been classified as a Variant of Uncertain Significance.

Women's Health and Genetics/Laboratory Corporation of America, LabCorp
Classification: Uncertain significance. Last evaluated: 2024-02-19. Review status: criteria provided, single submitter. Criteria: LabCorp Variant Classification Summary - May 2015. Collection method: clinical testing. Allele origin: germline. Not counted in ClinVar's aggregate classification.
Comment: Variant summary: RYR1 c.7777C>G (p.Arg2593Gly) results in a non-conservative amino acid change in the encoded protein sequence. Five of five in-silico tools predict a damaging effect of the variant on protein function. The variant allele was found at a frequency of 3.7e-06 in 1610328 control chromosomes (gnomAD v4.0). The available data on variant occurrences in the general population are insufficient to allow any conclusion about variant significance. c.7777C>G has been reported in the literature in an individual(s) affected with Malignant Hyperthermia Susceptibility without strong evidence of causality (Tammaro_2011). This report does not provide unequivocal conclusions about association of the variant with Malignant Hyperthermia Susceptibility. To our knowledge, no experimental evidence demonstrating an impact on protein function has been reported. The following publication has been ascertained in the context of this evaluation (PMID: 20681998). ClinVar contains an entry for this variant (Variation ID: 1330356). Based on the evidence outlined above, the variant was classified as uncertain significance.

All of Us Research Program, National Institutes of Health
Classification: Uncertain significance for Malignant hyperthermia, susceptibility to, 1. Last evaluated: 2023-08-15. Review status: criteria provided, single submitter. Criteria: ACMG Guidelines, 2015. Collection method: clinical testing. Allele origin: germline. Inheritance: Autosomal dominant inheritance. Observed: 1 variant allele, 1 heterozygote. Not counted in ClinVar's aggregate classification.
Comment: This study involves interpretation of variants in research participants for the purpose of population health screening. Participant phenotype was not available at the time of variant classification. Additional details can be found in publication PMID: 35346344, PMCID: PMC8962531

Literature cited by the submitters: PubMed 20681998 (cited by Labcorp Genetics (formerly Invitae), Labcorp and Women's Health and Genetics/Laboratory Corporation of America, LabCorp).

NM_000540.3(RYR1):c.7777C>G (p.Arg2593Gly)

Gene: RYR1 (ryanodine receptor 1; plus strand). Cytogenetic location: 19q13.2.
Variant type: single nucleotide variant.
Coding change: c.7777C>G on transcript NM_000540.3 (MANE Select); coding-DNA position 7777, C replaced by G.
Protein change: p.Arg2593Gly; replaces arginine 2593 with glycine.
Molecular consequence: missense variant.
Genome position (GRCh38, 1-based): chr19:38,502,669, C>G. VCF-style: chr19-38502669-C-G. GRCh37 (hg19) VCF-style: chr19-38993309-C-G.
Other names: NM_000540.3(RYR1):c.7777C>G; p.(Arg2593Gly); NM_001042723.2:c.7777C>G; c.7777C>G, p.Arg2593Gly (NM_001042723.2); short protein forms R2593G.
Identifiers: ClinVar variation 1330356 (VCV001330356.11), dbSNP rs756685891, ClinGen allele CA405672067.